The following is an entry in ClinVar:

NM_001166114.2(PNPLA6):c.1372C>T (p.Gln458Ter)

Gene: PNPLA6 (patatin like domain 6, lysophospholipase; plus strand). Cytogenetic location: 19p13.2.
Variant type: single nucleotide variant.
Coding change: c.1372C>T on transcript NM_001166114.2 (MANE Select); coding-DNA position 1372, C replaced by T.
Protein change: p.Gln458Ter; replaces glutamine 458 with a stop codon.
Molecular consequence: nonsense.
Genome position (GRCh38, 1-based): chr19:7,542,770, C>T. VCF-style: chr19-7542770-C-T. GRCh37 (hg19) VCF-style: chr19-7607656-C-T.
Other names: c.1399C>T, p.Gln467Ter (NM_001166111.2); c.1255C>T, p.Gln419Ter (NM_001166112.2, NM_001166113.1, NM_006702.5); short protein forms Q419*, Q458*, Q467*.
Identifiers: ClinVar variation 2903129 (VCV002903129.3), dbSNP rs1488216480, ClinGen allele CA403112434.

ClinVar aggregate classification (germline): Pathogenic (1 of 4 stars; one submission).

Conditions:
Hereditary spastic paraplegia 39 (SPG39). Also called: Spastic Paraplegia Type 39 (SPG39); SPASTIC PARAPLEGIA 39, AUTOSOMAL RECESSIVE. Identifiers: Orphanet 139480, MedGen C2677586, MONDO:0012787, OMIM 612020.

gnomAD v4.1: 2 of 1,613,046 alleles (0.00012%); highest among the groups gnomAD compares: Non-Finnish European, 0.00017%; no homozygotes.

Submission:

Labcorp Genetics (formerly Invitae), Labcorp
Classification: Pathogenic for Hereditary spastic paraplegia 39. Last evaluated: 2023-07-26. Review status: criteria provided, single submitter. Criteria: Invitae Variant Classification Sherloc (09022015). Collection method: clinical testing. Allele origin: germline.
Comment: For these reasons, this variant has been classified as Pathogenic. This variant has not been reported in the literature in individuals affected with PNPLA6-related conditions. This variant is not present in population databases (gnomAD no frequency). This sequence change creates a premature translational stop signal (p.Gln419*) in the PNPLA6 gene. It is expected to result in an absent or disrupted protein product. Loss-of-function variants in PNPLA6 are known to be pathogenic (PMID: 24355708).

Literature cited by the submitters: PubMed 24355708.